The following is an entry in ClinVar:

NM_012254.3(SLC27A5):c.1616T>C (p.Met539Thr)

Gene: SLC27A5 (solute carrier family 27 member 5; minus strand). Cytogenetic location: 19q13.43.
Variant type: single nucleotide variant.
Coding change: c.1616T>C on transcript NM_012254.3 (MANE Select); coding-DNA position 1616, T replaced by C.
Protein change: p.Met539Thr; replaces methionine 539 with threonine.
Molecular consequence: missense variant.
Genome position (GRCh38, 1-based): chr19:58,499,543, A>G on the plus strand (T>C on the coding strand, the complement: SLC27A5 is on the minus strand). VCF-style: chr19-58499543-A-G. GRCh37 (hg19) VCF-style: chr19-59010910-A-G.
Other names: p.Met539Thr; c.1364T>C, p.Met455Thr (NM_001321196.2); short protein forms M539T, M455T.
Identifiers: ClinVar variation 285420 (VCV000285420.18), dbSNP rs147464959, ClinGen allele CA9717905.
Genomic context (GRCh38, chr19:58,499,543, plus strand): 5'-GCCTCGGACCGGAAGGTGTCCCCGAGGCGGTCGCGGAAGTAGAGGAAGCCTTCGCGGTCC[A>G]TGGCCAGTACGTCCCCGGTGTTGTAGTAAACGTCGCCCGATTGCCGCACGTTGCGCACCA-3'
Protein context (NP_036386.1, residues 529-549): VYYNTGDVLA[Met539Thr]DREGFLYFRD

ClinVar aggregate classification (germline): Conflicting classifications of pathogenicity. Review status: criteria provided, conflicting classifications (1 of 4 stars). 5 submissions from 5 submitters: Uncertain significance (1); Likely benign (3). 1 of the submissions does not count toward it. Last evaluated 2026-01-21.

Conditions:
SLC27A5-related disorder. Also called: SLC27A5-related condition.

Allele frequency attached by ClinVar (database versions not stated): ExAC 0.00414; gnomAD exomes 0.00433; gnomAD 0.00437; ESP Exome Variant Server 0.00615; 1000 Genomes Project 0.00140; 1000 Genomes Project 30x 0.00141; TOPMed 0.00371.
gnomAD v4.1: 9,828 of 1,613,018 alleles (0.61%); highest among the groups gnomAD compares: Non-Finnish European, 0.74%; 43 homozygotes.

Submissions (5):

Labcorp Genetics (formerly Invitae), Labcorp
Classification: Likely benign. Last evaluated: 2026-01-21. Review status: criteria provided, single submitter. Criteria: Invitae Variant Classification Sherloc (09022015). Collection method: clinical testing. Allele origin: germline.

Mayo Clinic Laboratories, Mayo Clinic
Classification: Uncertain significance. Last evaluated: 2025-10-31. Review status: criteria provided, single submitter. Criteria: ACMG Guidelines, 2015. Collection method: clinical testing. Allele origin: germline. Observed: 2 variant alleles.
Comment: BP4

Eurofins Ntd Llc (ga)
Classification: Likely benign. Last evaluated: 2015-12-21. Review status: criteria provided, single submitter. Criteria: EGL Classification Definitions 2015. Collection method: clinical testing. Allele origin: germline. Observed: 2 variant alleles, 2 heterozygotes.

Breakthrough Genomics
Classification: Likely benign. Review status: criteria provided, single submitter. Criteria: ACMG Guidelines, 2015. Collection method: not provided. Allele origin: germline. Inheritance: Unknown mechanism. Affected: yes.

PreventionGenetics, part of Exact Sciences
Classification: Likely benign for SLC27A5-related condition. Last evaluated: 2021-03-04. Review status: no assertion criteria provided. Collection method: clinical testing. Allele origin: germline. Not counted in ClinVar's aggregate classification.
Comment: This variant is classified as likely benign based on ACMG/AMP sequence variant interpretation guidelines (Richards et al. 2015 PMID: 25741868, with internal and published modifications).